The following is an entry in ClinVar:

ClinVar aggregate classification (germline): Uncertain significance. Review status: criteria provided, multiple submitters, no conflicts (2 of 4 stars). 3 submissions from 3 submitters: Uncertain significance (2). 1 of the submissions does not count toward it. Last evaluated 2025-04-03.

Conditions:
Inborn genetic diseases. Identifiers: MedGen C0950123, MeSH D030342.
Pulmonary fibrosis and/or bone marrow failure, Telomere-related, 3. Also called: PULMONARY FIBROSIS AND/OR BONE MARROW FAILURE SYNDROME, TELOMERE-RELATED, 3. Identifiers: Orphanet 2032, MedGen C4225346, MONDO:0014613, OMIM 616373.
Dyskeratosis congenita, autosomal recessive 5 (DKCB5). Identifiers: MedGen C3554656, MONDO:0014076, OMIM 615190.
Dyskeratosis congenita. Identifiers: Orphanet 1775, MedGen C0265965, MONDO:0015780.

gnomAD v4.1: 9 of 1,612,646 alleles (0.00056%); highest among the groups gnomAD compares: Admixed American, 0.005%; no homozygotes.

Submissions (3):

Labcorp Genetics (formerly Invitae), Labcorp
Classification: Uncertain significance for Dyskeratosis congenita, autosomal recessive 5; Pulmonary fibrosis and/or bone marrow failure, Telomere-related, 3. Last evaluated: 2025-04-03. Review status: criteria provided, single submitter. Criteria: Invitae Variant Classification Sherloc (09022015). Collection method: clinical testing. Allele origin: germline.
Comment: This sequence change replaces lysine, which is basic and polar, with asparagine, which is neutral and polar, at codon 1094 of the RTEL1 protein (p.Lys1094Asn). This variant is present in population databases (rs778086975, gnomAD 0.003%). This variant has not been reported in the literature in individuals affected with RTEL1-related conditions. ClinVar contains an entry for this variant (Variation ID: 1014213). An algorithm developed to predict the effect of missense changes on protein structure and function (PolyPhen-2) suggests that this variant is likely to be tolerated. In summary, the available evidence is currently insufficient to determine the role of this variant in disease. Therefore, it has been classified as a Variant of Uncertain Significance.

Ambry Genetics
Classification: Uncertain significance for Inborn genetic diseases. Last evaluated: 2024-12-06. Review status: criteria provided, single submitter. Criteria: Ambry Variant Classification Scheme 2023. Collection method: clinical testing. Allele origin: germline.
Comment: The p.K1094N variant (also known as c.3282G>T), located in coding exon 31 of the RTEL1 gene, results from a G to T substitution at nucleotide position 3282. The lysine at codon 1094 is replaced by asparagine, an amino acid with similar properties. This amino acid position is conserved. In addition, this alteration is predicted to be tolerated by in silico analysis. Based on the available evidence, the clinical significance of this variant remains unclear.

Natera, Inc.
Classification: Uncertain significance for Dyskeratosis congenita. Last evaluated: 2020-03-04. Review status: no assertion criteria provided. Collection method: clinical testing. Allele origin: germline. Not counted in ClinVar's aggregate classification.

NM_001283009.2(RTEL1):c.3282G>T (p.Lys1094Asn)

Genes: RTEL1 (regulator of telomere elongation helicase 1; plus strand), RTEL1-TNFRSF6B (RTEL1-TNFRSF6B readthrough (NMD candidate); plus strand). Cytogenetic location: 20q13.33.
Variant type: single nucleotide variant.
Coding change: c.3282G>T on transcript NM_001283009.2 (MANE Select); coding-DNA position 3282, G replaced by T.
Protein change: p.Lys1094Asn; replaces lysine 1094 with asparagine.
Molecular consequence: missense variant. On other transcripts: non-coding transcript variant (1).
Genome position (GRCh38, 1-based): chr20:63,694,913, G>T. VCF-style: chr20-63694913-G-T. GRCh37 (hg19) VCF-style: chr20-62326266-G-T.
Other names: c.2613G>T, p.Lys871Asn (NM_001283010.1); c.3282G>T, p.Lys1094Asn (NM_016434.4); c.3354G>T, p.Lys1118Asn (NM_032957.5); short protein forms K1094N, K1118N, K871N.
Identifiers: ClinVar variation 1014213 (VCV001014213.6), dbSNP rs778086975, ClinGen allele CA9965937.
Genomic context (GRCh38, chr20:63,694,913, plus strand): 5'-GGGCTGTAGCCAACTCTTGGCAGCGCTGACAGCCTATAAGCAAGACGACGACCTCGACAA[G>T]GTGCTGGCTGTGTTGGCCGCCCTGACCACTGCAAAGCCAGAGGACTTCCCCCTGCTGCAC-3'
Protein context (NP_001269938.1, residues 1084-1104): TAYKQDDDLD[Lys1094Asn]VLAVLAALTT